The following is an entry in ClinVar:

NM_000179.3(MSH6):c.3520_3521insGTAA (p.Phe1174fs)

Gene: MSH6 (mutS homolog 6; plus strand). Cytogenetic location: 2p16.3.
Variant type: Insertion.
Coding change: c.3520_3521insGTAA on transcript NM_000179.3 (MANE Select); coding-DNA positions 3520 to 3521, GTAA inserted.
Protein change: p.Phe1174fs; shifts the reading frame from phenylalanine 1174.
Molecular consequence: frameshift variant. On other transcripts: non-coding transcript variant (4).
Genome position: GRCh38 VCF-style: chr2-47804991-T-TGTAA. GRCh37 (hg19) VCF-style: chr2-48032130-T-TGTAA.
Other names: c.3130_3131insGTAA, p.Phe1044fs (NM_001281492.2); c.2614_2615insGTAA, p.Phe872fs (NM_001281493.2, NM_001281494.2, NM_001406811.1 and 6 more transcripts); c.3616_3617insGTAA, p.Phe1206fs (NM_001406795.1, NM_001406802.1); c.3520_3521insGTAA, p.Phe1174fs (NM_001406796.1, NM_001406800.1, NM_001406808.1 and 1 more transcripts); c.3223_3224insGTAA, p.Phe1075fs (NM_001406797.1, NM_001406801.1, NM_001406805.1 and 10 more transcripts); c.3346_3347insGTAA, p.Phe1116fs (NM_001406798.1); c.2995_2996insGTAA, p.Phe999fs (NM_001406799.1, NM_001406806.1, NM_001406807.1); c.2656_2657insGTAA, p.Phe886fs (NM_001406803.1); and 7 more; short protein forms F101fs, F1118fs, F1206fs, F886fs, F1174fs, F123fs, F652fs, F999fs.
Identifiers: ClinVar variation 2998508 (VCV002998508.3), dbSNP rs2530804830, ClinGen allele CA2740092851.

ClinVar aggregate classification (germline): Pathogenic (1 of 4 stars; one submission).

Conditions:
Hereditary nonpolyposis colorectal neoplasms. Identifiers: MedGen C0009405, MeSH D003123.

Submission:

Labcorp Genetics (formerly Invitae), Labcorp
Classification: Pathogenic for Hereditary nonpolyposis colorectal neoplasms. Last evaluated: 2023-10-04. Review status: criteria provided, single submitter. Criteria: Invitae Variant Classification Sherloc (09022015). Collection method: clinical testing. Allele origin: germline.
Comment: This sequence change creates a premature translational stop signal (p.Phe1174Cysfs*4) in the MSH6 gene. It is expected to result in an absent or disrupted protein product. Loss-of-function variants in MSH6 are known to be pathogenic (PMID: 18269114, 24362816). This variant is not present in population databases (gnomAD no frequency). This variant has not been reported in the literature in individuals affected with MSH6-related conditions. For these reasons, this variant has been classified as Pathogenic.

Literature cited by the submitters: PubMed 18269114; PubMed 24362816.